The following is an entry in ClinVar:

ClinVar aggregate classification (germline): Uncertain significance (1 of 4 stars; one submission).

Submission:

Labcorp Genetics (formerly Invitae), Labcorp
Classification: Uncertain significance. Last evaluated: 2021-11-13. Review status: criteria provided, single submitter. Criteria: Invitae Variant Classification Sherloc (09022015). Collection method: clinical testing. Allele origin: germline.
Comment: In summary, the available evidence is currently insufficient to determine the role of this variant in disease. Therefore, it has been classified as a Variant of Uncertain Significance. Algorithms developed to predict the effect of sequence changes on RNA splicing suggest that this variant may disrupt the consensus splice site. Algorithms developed to predict the effect of missense changes on protein structure and function are either unavailable or do not agree on the potential impact of this missense change (SIFT: "Deleterious"; PolyPhen-2: "Benign"; Align-GVGD: "Class C0"). This variant has not been reported in the literature in individuals affected with TOP2B-related conditions. This variant is not present in population databases (gnomAD no frequency). This sequence change replaces glutamine, which is neutral and polar, with arginine, which is basic and polar, at codon 75 of the TOP2B protein (p.Gln75Arg).

NM_001330700.2(TOP2B):c.239A>G (p.Gln80Arg)

Gene: TOP2B (DNA topoisomerase II beta; minus strand). Cytogenetic location: 3p24.2.
Variant type: single nucleotide variant.
Coding change: c.239A>G on transcript NM_001330700.2 (MANE Select); coding-DNA position 239, A replaced by G.
Protein change: p.Gln80Arg; replaces glutamine 80 with arginine.
Molecular consequence: missense variant.
Genome position (GRCh38, 1-based): chr3:25,645,301, T>C on the plus strand (A>G on the coding strand, the complement: TOP2B is on the minus strand). VCF-style: chr3-25645301-T-C. GRCh37 (hg19) VCF-style: chr3-25686792-T-C.
Other names: c.224A>G, p.Gln75Arg (NM_001068.3); short protein forms Q80R, Q75R.
Identifiers: ClinVar variation 1521155 (VCV001521155.6), dbSNP rs2125396974, ClinGen allele CA351914641.